The following is an entry in ClinVar:

NM_020461.4(TUBGCP6):c.4955-4C>T

Gene: TUBGCP6 (tubulin gamma complex component 6; minus strand). Cytogenetic location: 22q13.33.
Variant type: single nucleotide variant.
Coding change: c.4955-4C>T on transcript NM_020461.4 (MANE Select); 4 bases into the intron before coding-DNA position 4955, C replaced by T.
Molecular consequence: intron variant.
Genome position (GRCh38, 1-based): chr22:50,218,406, G>A on the plus strand (C>T on the coding strand, the complement: TUBGCP6 is on the minus strand). VCF-style: chr22-50218406-G-A. GRCh37 (hg19) VCF-style: chr22-50656835-G-A.
Identifiers: ClinVar variation 511454 (VCV000511454.12), dbSNP rs757193488, ClinGen allele CA10307225.
Genomic context (GRCh38, chr22:50,218,406, plus strand): 5'-GCTTGAACAGCTGCAGCTGACGGAACTGCACAGAGCCGGCCATGTGGCTCAGCAGGGCTG[G>A]CGGAGGGCAGAAGGCAGAGGGCAGAGGTGAGCGCAGCCTCCAGCCAGGGGTGCGGGGCGC-3'

ClinVar aggregate classification (germline): Likely benign. Review status: criteria provided, multiple submitters, no conflicts (2 of 4 stars). 4 submissions from 4 submitters: Likely benign (4). Last evaluated 2025-11-27.

Conditions:
Inborn genetic diseases. Identifiers: MedGen C0950123, MeSH D030342.

Allele frequency attached by ClinVar (database versions not stated): gnomAD exomes 0.00009; gnomAD 0.00010 and 0.00011; TOPMed 0.00012; ExAC 0.00013.

Submissions (4):

Labcorp Genetics (formerly Invitae), Labcorp
Classification: Likely benign. Last evaluated: 2025-11-27. Review status: criteria provided, single submitter. Criteria: Invitae Variant Classification Sherloc (09022015). Collection method: clinical testing. Allele origin: germline.

Blueprint Genetics
Classification: Likely benign. Last evaluated: 2024-11-25. Review status: criteria provided, single submitter. Criteria: ACMG Guidelines, 2015. Collection method: clinical testing. Allele origin: germline.

Ambry Genetics
Classification: Likely benign for Inborn genetic diseases. Last evaluated: 2023-08-03. Review status: criteria provided, single submitter. Criteria: Ambry Variant Classification Scheme 2023. Collection method: clinical testing. Allele origin: germline.

GeneDx
Classification: Likely benign. Last evaluated: 2017-08-25. Review status: criteria provided, single submitter. Criteria: GeneDx Variant Classification (06012015). Collection method: clinical testing. Allele origin: germline. Affected: yes.
Comment: This variant is considered likely benign or benign based on one or more of the following criteria: it is a conservative change, it occurs at a poorly conserved position in the protein, it is predicted to be benign by multiple in silico algorithms, and/or has population frequency not consistent with disease.